The following is an entry in ClinVar:

NM_014717.3(ZNF536):c.3007T>C (p.Cys1003Arg)

Gene: ZNF536 (zinc finger protein 536; plus strand). Cytogenetic location: 19q12.
Variant type: single nucleotide variant.
Coding change: c.3007T>C on transcript NM_014717.3 (MANE Select); coding-DNA position 3007, T replaced by C.
Protein change: p.Cys1003Arg; replaces cysteine 1003 with arginine.
Molecular consequence: missense variant.
Genome position (GRCh38, 1-based): chr19:30,548,626, T>C. VCF-style: chr19-30548626-T-C. GRCh37 (hg19) VCF-style: chr19-31039533-T-C.
Other names: c.3007T>C, p.Cys1003Arg (NM_001352260.2, NM_001376110.1, NM_001376111.1 and 1 more transcripts); short protein forms C1003R.
Identifiers: ClinVar variation 5009739 (VCV005009739.1).

ClinVar aggregate classification (germline): Uncertain significance (1 of 4 stars; one submission).

Submission:

GeneDx
Classification: Uncertain significance. Last evaluated: 2026-02-19. Review status: criteria provided, single submitter. Criteria: GeneDx Variant Classification Process June 2021. Collection method: clinical testing. Allele origin: germline.
Comment: Not observed at significant frequency in large population cohorts (gnomAD); In silico analysis supports that this missense variant has a deleterious effect on protein structure/function; Has not been previously published as pathogenic or benign to our knowledge; Variants in candidate genes are classified as variants of uncertain significance in accordance with ACMG guidelines (PMID: 25741868)